The following is an entry in ClinVar:

NM_001122955.4(BSCL2):c.968G>A (p.Trp323Ter)

Genes: BSCL2 (BSCL2 lipid droplet biogenesis associated, seipin; minus strand), HNRNPUL2-BSCL2 (HNRNPUL2-BSCL2 readthrough (NMD candidate); minus strand). Cytogenetic location: 11q12.3.
Variant type: single nucleotide variant.
Coding change: c.968G>A on transcript NM_001122955.4 (MANE Select); coding-DNA position 968, G replaced by A.
Protein change: p.Trp323Ter; replaces tryptophan 323 with a stop codon.
Molecular consequence: nonsense. On other transcripts: non-coding transcript variant (1), intron variant (1).
Genome position (GRCh38, 1-based): chr11:62,691,317, C>T on the plus strand (G>A on the coding strand, the complement: BSCL2 is on the minus strand). VCF-style: chr11-62691317-C-T. GRCh37 (hg19) VCF-style: chr11-62458789-C-T.
Other names: c.968G>A, p.Trp323Ter (NM_001386027.1, NM_001386028.1); c.776G>A, p.Trp259Ter (NM_032667.6); c.672-176G>A (NM_001130702.2); short protein forms W259*, W323*.
Identifiers: ClinVar variation 2641892 (VCV002641892.25), dbSNP rs367783346, ClinGen allele CA380959393.
Genomic context (GRCh38, chr11:62,691,317, plus strand): 5'-AGGGGGTCCTTGCCCCTTTCGACCTGCAAAGAGAAGCGGTGTCGGGGCCAGATGCCCCCC[C>T]ACACCCACTGCATGTAGCTGAAGAGCACGATGACGCTGAGGAAGGTGAAGTTGCTGGCAA-3'

ClinVar aggregate classification (germline): Conflicting classifications of pathogenicity. Review status: criteria provided, conflicting classifications (1 of 4 stars). 2 submissions from 2 submitters: Likely pathogenic (1); Uncertain significance (1). Last evaluated 2024-06-01.

Conditions:
Congenital generalized lipodystrophy type 2 (CGL2). Also called: BERARDINELLI SYNDROME; BRUNZELL SYNDROME, BSCL2-RELATED; SEIP SYNDROME; Berardinelli-Seip Congenital Lipodystrophy Type 2. Identifiers: Orphanet 528, Orphanet 696289, MedGen C1720863, MONDO:0010020, OMIM 269700.

Submissions (2):

CeGaT Center for Human Genetics Tuebingen
Classification: Uncertain significance. Last evaluated: 2024-06-01. Review status: criteria provided, single submitter. Criteria: CeGaT Center For Human Genetics Tuebingen Variant Classification Criteria Version 2. Collection method: clinical testing. Allele origin: germline. Affected: yes. Observed: 4 variant alleles.
Comment: BSCL2: PM2

Neuberg Centre For Genomic Medicine, NCGM
Classification: Likely pathogenic for Congenital generalized lipodystrophy type 2. Last evaluated: 2023-06-22. Review status: criteria provided, single submitter. Criteria: ACMG Guidelines, 2015. Collection method: clinical testing. Allele origin: germline. Inheritance: Autosomal recessive inheritance. Affected: yes.
Comment: The stop gained variant c.968G>A(p.Trp323Ter) in BSCL2 gene has not been reported previously as a pathogenic variant nor as a benign variant, to our knowledge. The observed variant is absent in gnomAD exomes database. This variant has not been submitted to the ClinVar database. Computational evidence (MutationTaster - disease causing) predict a damaging effect on protein structure and function for this variant. The nucleotide change c.968G>A in BSCL2 is predicted as conserved by GERP++ and PhyloP across 100 vertebrates. This variant is predicted to cause loss of normal protein function through protein truncation. Loss of function variants have been previously reported to be disease causing. For these reasons, this variant has been classified as Likely Pathogenic.